The following is an entry in ClinVar:

NM_001384140.1(PCDH15):c.4671+1067G>A

Gene: PCDH15 (protocadherin related 15; minus strand). Cytogenetic location: 10q21.1.
Variant type: single nucleotide variant.
Coding change: c.4671+1067G>A on transcript NM_001384140.1 (MANE Select); 1067 bases into the intron after coding-DNA position 4671, G replaced by A.
Molecular consequence: intron variant. On other transcripts: missense variant (2), synonymous variant (1).
Genome position (GRCh38, 1-based): chr10:53,809,489, C>T on the plus strand (G>A on the coding strand, the complement: PCDH15 is on the minus strand). VCF-style: chr10-53809489-C-T. GRCh37 (hg19) VCF-style: chr10-55569249-C-T.
Other names: c.4576G>A, p.Glu1526Lys (NM_001142769.4); c.4611G>A, p.Arg1537= (NM_001142770.3); c.4555G>A, p.Glu1519Lys (NM_001354411.2); c.4476+1067G>A (NM_001354420.2); c.4605+1067G>A (NM_001354429.2); c.4482+1067G>A (NM_001142772.2); c.4497+1067G>A (NM_001142771.2); short protein forms E1526K, E1519K.
Identifiers: ClinVar variation 763900 (VCV000763900.11), dbSNP rs543196211, ClinGen allele CA5504837.
Genomic context (GRCh38, chr10:53,809,489, plus strand): 5'-TCCATGTTGTGTATGTAGGCTCAGCTGCTGGTGGTTTTTCGATAGTTACAACTACTTCTT[C>T]CTCCTCACTAGGCTCTCTAATTTCAACCTTTGGTTTTTTAATTTTCTTTGGCTCTTCCTG-3'

ClinVar aggregate classification (germline): Benign/Likely benign. Review status: criteria provided, multiple submitters, no conflicts (2 of 4 stars). 3 submissions from 3 submitters: Benign (1); Likely benign (2). Last evaluated 2026-01-15.

Conditions:
PCDH15-related disorder. Also called: PCDH15-related disorders; PCDH15-related condition.

Allele frequency attached by ClinVar (database versions not stated): gnomAD 0.00013 and below 0.00001; 1000 Genomes Project 0.00040; ExAC 0.00056; gnomAD exomes 0.00049 and 0.00024; TOPMed 0.00003; 1000 Genomes Project 30x 0.00031.
gnomAD v4.1: 374 of 1,613,930 alleles (0.023%); highest among the groups gnomAD compares: South Asian, 0.38%; 2 homozygotes.

Submissions (3):

PreventionGenetics, part of Exact Sciences
Classification: Likely benign for PCDH15-related condition. Last evaluated: 2026-01-15. Review status: criteria provided, single submitter. Criteria: ACMG Guidelines, 2015. Collection method: clinical testing. Allele origin: germline.
Comment: This variant is classified as likely benign based on ACMG/AMP sequence variant interpretation guidelines (Richards et al. 2015 PMID: 25741868, with internal and published modifications).

Blueprint Genetics
Classification: Benign. Last evaluated: 2024-02-07. Review status: criteria provided, single submitter. Criteria: ACMG Guidelines, 2015. Collection method: clinical testing. Allele origin: germline.

Labcorp Genetics (formerly Invitae), Labcorp
Classification: Likely benign. Last evaluated: 2018-09-10. Review status: criteria provided, single submitter. Criteria: Invitae Variant Classification Sherloc (09022015). Collection method: clinical testing. Allele origin: germline.